The following is an entry in ClinVar:

NM_001204.7(BMPR2):c.1768G>A (p.Glu590Lys)

Gene: BMPR2 (bone morphogenetic protein receptor type 2; plus strand). Cytogenetic location: 2q33.2.
Variant type: single nucleotide variant.
Coding change: c.1768G>A on transcript NM_001204.7 (MANE Select); coding-DNA position 1768, G replaced by A.
Protein change: p.Glu590Lys; replaces glutamic acid 590 with lysine.
Molecular consequence: missense variant.
Genome position (GRCh38, 1-based): chr2:202,555,433, G>A. VCF-style: chr2-202555433-G-A. GRCh37 (hg19) VCF-style: chr2-203420156-G-A.
Other names: short protein forms E590K.
Identifiers: ClinVar variation 4597465 (VCV004597465.1).

ClinVar aggregate classification (germline): Uncertain significance (1 of 4 stars; one submission).

Conditions:
Inborn genetic diseases. Identifiers: MedGen C0950123, MeSH D030342.

gnomAD v4.1: 2 of 1,614,092 alleles (0.00012%); highest among the groups gnomAD compares: South Asian, 0.0011%; no homozygotes.

Submission:

Ambry Genetics
Classification: Uncertain significance for Inborn genetic diseases. Last evaluated: 2025-10-23. Review status: criteria provided, single submitter. Criteria: Ambry Variant Classification Scheme 2023. Collection method: clinical testing. Allele origin: germline.
Comment: The p.E590K variant (also known as c.1768G>A), located in coding exon 12 of the BMPR2 gene, results from a G to A substitution at nucleotide position 1768. The glutamic acid at codon 590 is replaced by lysine, an amino acid with similar properties. This amino acid position is conserved. In addition, this alteration is predicted to be deleterious by in silico analysis. Based on the available evidence, the clinical significance of this variant remains unclear.